The following is an entry in ClinVar:

NM_031433.4(MFRP):c.1458C>T (p.Asn486=)

Genes: C1QTNF5 (C1q and TNF related 5; minus strand), MFRP (membrane frizzled-related protein; minus strand). Cytogenetic location: 11q23.3.
Variant type: single nucleotide variant.
Coding change: c.1458C>T on transcript NM_031433.4 (MANE Select); coding-DNA position 1458, C replaced by T.
Protein change: p.Asn486=; no amino-acid change (asparagine 486 retained).
Molecular consequence: synonymous variant. On other transcripts: 5 prime UTR variant (1).
Genome position (GRCh38, 1-based): chr11:119,341,914, G>A on the plus strand (C>T on the coding strand, the complement: MFRP is on the minus strand). VCF-style: chr11-119341914-G-A. GRCh37 (hg19) VCF-style: chr11-119212624-G-A.
Other names: c.-1179C>T (NM_015645.5).
Identifiers: ClinVar variation 3030007 (VCV003030007.3), dbSNP rs758093277, ClinGen allele CA6320098.

ClinVar aggregate classification (germline): Likely benign. Review status: criteria provided, multiple submitters, no conflicts (2 of 4 stars). 3 submissions from 3 submitters: Likely benign (2). 1 of the submissions does not count toward it. Last evaluated 2025-10-23.

Conditions:
MFRP-related disorder. Also called: MFRP-related disorders; MFRP-related condition.
Isolated microphthalmia 5. Also called: Posterior Microphthalmia with Retinitis Pigmentosa, Foveoschisis, and Optic Disc Drusen. Identifiers: Orphanet 251279, MedGen C1970236, MONDO:0012605, OMIM 611040.

Allele frequency attached by ClinVar (database versions not stated): gnomAD 0.00003; ExAC 0.00007; TOPMed 0.00001.
gnomAD v4.1: 49 of 1,613,898 alleles (0.003%); highest among the groups gnomAD compares: Admixed American, 0.005%; 1 homozygote.

Submissions (3):

Labcorp Genetics (formerly Invitae), Labcorp
Classification: Likely benign for Isolated microphthalmia 5. Last evaluated: 2025-10-23. Review status: criteria provided, single submitter. Criteria: Invitae Variant Classification Sherloc (09022015). Collection method: clinical testing. Allele origin: germline.

Blueprint Genetics
Classification: Likely benign. Last evaluated: 2024-08-22. Review status: criteria provided, single submitter. Criteria: ACMG Guidelines, 2015. Collection method: clinical testing. Allele origin: germline.

PreventionGenetics, part of Exact Sciences
Classification: Likely benign for MFRP-related condition. Last evaluated: 2021-05-12. Review status: no assertion criteria provided. Collection method: clinical testing. Allele origin: germline. Not counted in ClinVar's aggregate classification.
Comment: This variant is classified as likely benign based on ACMG/AMP sequence variant interpretation guidelines (Richards et al. 2015 PMID: 25741868, with internal and published modifications).